The following is an entry in ClinVar:

ClinVar aggregate classification (germline): Uncertain significance. Review status: criteria provided, multiple submitters, no conflicts (2 of 4 stars). 2 submissions from 2 submitters: Uncertain significance (2). Last evaluated 2023-11-08.

Conditions:
Arrhythmogenic right ventricular dysplasia 11. Also called: Arrhythmogenic right ventricular dysplasia 11 with mild palmoplantar keratoderma and woolly hair; Arrhythmogenic Right Ventricular Dysplasia/Cardiomyopathy11; ARRHYTHMOGENIC RIGHT VENTRICULAR DYSPLASIA, FAMILIAL, 11. Identifiers: MedGen C1864850, MONDO:0012506, OMIM 610476.
Cardiovascular phenotype. Identifiers: MedGen CN230736.

Allele frequency attached by ClinVar (database versions not stated): TOPMed below 0.00001.

Submissions (2):

Labcorp Genetics (formerly Invitae), Labcorp
Classification: Uncertain significance for Arrhythmogenic right ventricular dysplasia 11. Last evaluated: 2023-11-08. Review status: criteria provided, single submitter. Criteria: Invitae Variant Classification Sherloc (09022015). Collection method: clinical testing. Allele origin: germline.
Comment: This sequence change replaces aspartic acid, which is acidic and polar, with valine, which is neutral and non-polar, at codon 572 of the DSC2 protein (p.Asp572Val). This variant is not present in population databases (gnomAD no frequency). This variant has not been reported in the literature in individuals affected with DSC2-related conditions. ClinVar contains an entry for this variant (Variation ID: 1513632). Advanced modeling of protein sequence and biophysical properties (such as structural, functional, and spatial information, amino acid conservation, physicochemical variation, residue mobility, and thermodynamic stability) performed at Invitae indicates that this missense variant is expected to disrupt DSC2 protein function with a positive predictive value of 80%. In summary, the available evidence is currently insufficient to determine the role of this variant in disease. Therefore, it has been classified as a Variant of Uncertain Significance.

Ambry Genetics
Classification: Uncertain significance for Cardiovascular phenotype. Last evaluated: 2020-07-16. Review status: criteria provided, single submitter. Criteria: Ambry Variant Classification Scheme 2023. Collection method: clinical testing. Allele origin: germline.
Comment: The p.D572V variant (also known as c.1715A>T), located in coding exon 12 of the DSC2 gene, results from an A to T substitution at nucleotide position 1715. The aspartic acid at codon 572 is replaced by valine, an amino acid with highly dissimilar properties. This amino acid position is highly conserved in available vertebrate species. In addition, this alteration is predicted to be deleterious by in silico analysis. Since supporting evidence is limited at this time, the clinical significance of this alteration remains unclear.

NM_024422.6(DSC2):c.1715A>T (p.Asp572Val)

Gene: DSC2 (desmocollin 2; minus strand). Cytogenetic location: 18q12.1.
Variant type: single nucleotide variant.
Coding change: c.1715A>T on transcript NM_024422.6 (MANE Select); coding-DNA position 1715, A replaced by T.
Protein change: p.Asp572Val; replaces aspartic acid 572 with valine.
Molecular consequence: missense variant.
Genome position (GRCh38, 1-based): chr18:31,074,856, T>A on the plus strand (A>T on the coding strand, the complement: DSC2 is on the minus strand). VCF-style: chr18-31074856-T-A. GRCh37 (hg19) VCF-style: chr18-28654822-T-A.
Other names: c.1715A>T, p.Asp572Val (NM_004949.5); short protein forms D572V.
Identifiers: ClinVar variation 1513632 (VCV001513632.10), dbSNP rs1030017004, ClinGen allele CA402114315.